The following is an entry in ClinVar:

NM_144997.7(FLCN):c.619-3C>T

Gene: FLCN (folliculin; minus strand). Cytogenetic location: 17p11.2.
Variant type: single nucleotide variant.
Coding change: c.619-3C>T on transcript NM_144997.7 (MANE Select); 3 bases into the intron before coding-DNA position 619, C replaced by T.
Molecular consequence: intron variant.
Genome position (GRCh38, 1-based): chr17:17,222,664, G>A on the plus strand (C>T on the coding strand, the complement: FLCN is on the minus strand). VCF-style: chr17-17222664-G-A. GRCh37 (hg19) VCF-style: chr17-17125978-G-A.
Other names: c.619-3C>T (NM_001353231.2, NM_001353230.2, NM_144606.7); c.673-3C>T (NM_001353229.2).
Identifiers: ClinVar variation 3850553 (VCV003850553.1).
Genomic context (GRCh38, chr17:17,222,664, plus strand): 5'-AGGCTGTGTTCATCCTCTGAGCACGCTGTGGGCATCCAAACTGCTCTGCCTCAAACACCT[G>A]AAATGCAAAGGGAAGGGATGGCCTCTTTAAGCCAAAGCTGCCAGCAGCTCGGACCCCTAC-3'

ClinVar aggregate classification (germline): Uncertain significance (1 of 4 stars; one submission).

Conditions:
Hereditary cancer-predisposing syndrome. Also called: Hereditary neoplastic syndrome; Neoplastic Syndromes, Hereditary; Tumor predisposition; Hereditary Cancer Syndrome. Identifiers: Orphanet 140162, MedGen C0027672, MeSH D009386, MONDO:0015356.

Submission:

Ambry Genetics
Classification: Uncertain significance for Hereditary cancer-predisposing syndrome. Last evaluated: 2025-01-04. Review status: criteria provided, single submitter. Criteria: Ambry Variant Classification Scheme 2023. Collection method: clinical testing. Allele origin: germline.
Comment: The c.619-3C>T intronic variant results from a C to T substitution 3 nucleotides upstream from coding exon 4 in the FLCN gene. This nucleotide position is well conserved in available vertebrate species. In silico splice site analysis predicts that this alteration will not have any significant effect on splicing. Based on the available evidence, the clinical significance of this variant remains unclear.